The following is an entry in ClinVar:

ClinVar aggregate classification (germline): Uncertain significance (1 of 4 stars; one submission).

Conditions:
Autosomal dominant nocturnal frontal lobe epilepsy 5. Also called: KCNT1-Related Epilepsy; CILIARY DYSKINESIA, PRIMARY, 28, WITHOUT SITUS INVERSUS; CILIARY DYSKINESIA, PRIMARY, 28, WITH SITUS INVERSUS; Epilepsy, nocturnal frontal lobe, 5. Identifiers: Orphanet 98784, MedGen C3554306, MONDO:0014002, OMIM 615005.
Developmental and epileptic encephalopathy, 14 (DEE14). Also called: Early infantile epileptic encephalopathy 14. Identifiers: Orphanet 293181, MedGen C3554195, MONDO:0013989, OMIM 614959.

Submission:

Labcorp Genetics (formerly Invitae), Labcorp
Classification: Uncertain significance for Autosomal dominant nocturnal frontal lobe epilepsy 5; Developmental and epileptic encephalopathy, 14. Last evaluated: 2020-10-08. Review status: criteria provided, single submitter. Criteria: Invitae Variant Classification Sherloc (09022015). Collection method: clinical testing. Allele origin: germline.
Comment: In summary, the available evidence is currently insufficient to determine the role of this variant in disease. Therefore, it has been classified as a Variant of Uncertain Significance. Advanced modeling of protein sequence and biophysical properties (such as structural, functional, and spatial information, amino acid conservation, physicochemical variation, residue mobility, and thermodynamic stability) performed at Invitae indicates that this missense variant is expected to disrupt KCNT1 protein function. This variant has not been reported in the literature in individuals with KCNT1-related conditions. This variant is not present in population databases (ExAC no frequency). This sequence change replaces tyrosine with serine at codon 1006 of the KCNT1 protein (p.Tyr1006Ser). The tyrosine residue is highly conserved and there is a large physicochemical difference between tyrosine and serine.

NM_020822.3(KCNT1):c.3017A>C (p.Tyr1006Ser)

Gene: KCNT1 (potassium sodium-activated channel subfamily T member 1; plus strand). Cytogenetic location: 9q34.3.
Variant type: single nucleotide variant.
Coding change: c.3017A>C on transcript NM_020822.3 (MANE Select); coding-DNA position 3017, A replaced by C.
Protein change: p.Tyr1006Ser; replaces tyrosine 1006 with serine.
Molecular consequence: missense variant.
Genome position (GRCh38, 1-based): chr9:135,784,608, A>C. VCF-style: chr9-135784608-A-C. GRCh37 (hg19) VCF-style: chr9-138676454-A-C.
Other names: c.2882A>C, p.Tyr961Ser (NM_001272003.2); short protein forms Y1006S, Y961S.
Identifiers: ClinVar variation 1042162 (VCV001042162.9), dbSNP rs1833891089, ClinGen allele CA375517990.